The following is an entry in ClinVar:

ClinVar aggregate classification (germline): Uncertain significance (1 of 4 stars; one submission).

gnomAD v4.1: 1 of 1,614,170 alleles (0.000062%); highest among the groups gnomAD compares: Non-Finnish European, 0.000085%; no homozygotes.

Submission:

Ambry Genetics
Classification: Uncertain significance. Last evaluated: 2026-09-08. Review status: criteria provided, single submitter. Criteria: Ambry Variant Classification Scheme 2023. Collection method: clinical testing. Allele origin: germline.
Comment: The p.E182G variant (also known as c.545A>G), located in coding exon 1 of the CDK12 gene, results from an A to G substitution at nucleotide position 545. The glutamic acid at codon 182 is replaced by glycine, an amino acid with similar properties. This amino acid position is conserved. In addition, this alteration is predicted to be tolerated by in silico analysis. Based on the available evidence, the clinical significance of this variant remains unclear.

NM_016507.4(CDK12):c.545A>G (p.Glu182Gly)

Genes: CDK12 (cyclin dependent kinase 12; plus strand), LOC126862553 (CDK7 strongly-dependent group 2 enhancer GRCh37_chr17:37618166-37619365; plus strand). Cytogenetic location: 17q12.
Variant type: single nucleotide variant.
Coding change: c.545A>G on transcript NM_016507.4 (MANE Select); coding-DNA position 545, A replaced by G.
Protein change: p.Glu182Gly; replaces glutamic acid 182 with glycine.
Molecular consequence: missense variant.
Genome position (GRCh38, 1-based): chr17:39,462,616, A>G. VCF-style: chr17-39462616-A-G. GRCh37 (hg19) VCF-style: chr17-37618869-A-G.
Other names: c.545A>G, p.Glu182Gly (NM_015083.4); short protein forms E182G.
Identifiers: ClinVar variation 5034196 (VCV005034196.1).